The following is an entry in ClinVar:

NM_003896.4(ST3GAL5):c.1109C>T (p.Thr370Ile)

Gene: ST3GAL5 (ST3 beta-galactoside alpha-2,3-sialyltransferase 5; minus strand). Cytogenetic location: 2p11.2.
Variant type: single nucleotide variant.
Coding change: c.1109C>T on transcript NM_003896.4 (MANE Select); coding-DNA position 1109, C replaced by T.
Protein change: p.Thr370Ile; replaces threonine 370 with isoleucine.
Molecular consequence: missense variant.
Genome position (GRCh38, 1-based): chr2:85,840,292, G>A on the plus strand (C>T on the coding strand, the complement: ST3GAL5 is on the minus strand). VCF-style: chr2-85840292-G-A. GRCh37 (hg19) VCF-style: chr2-86067415-G-A.
Other names: c.1040C>T, p.Thr347Ile (NM_001042437.2); c.725C>T, p.Thr242Ile (NM_001354223.2, NM_001354224.2, NM_001354226.2 and 3 more transcripts); c.1025C>T, p.Thr342Ile (NM_001354227.2, NM_001354229.2, NM_001354238.1); c.386C>T, p.Thr129Ile (NM_001354247.1); c.950C>T, p.Thr317Ile (NM_001363847.1); short protein forms T129I, T242I, T317I, T342I, T347I, T370I.
Identifiers: ClinVar variation 1023124 (VCV001023124.6), dbSNP rs367760178, ClinGen allele CA51776064.

ClinVar aggregate classification (germline): Uncertain significance (1 of 4 stars; one submission).

Conditions:
GM3 synthase deficiency (SPDRS). Also called: SALT AND PEPPER MENTAL RETARDATION SYNDROME; SALT AND PEPPER DEVELOPMENTAL REGRESSION SYNDROME; AMISH INFANTILE EPILEPSY SYNDROME. Identifiers: Orphanet 171714, Orphanet 370933, MedGen C1836824, MONDO:0018274, OMIM 609056.

Allele frequency attached by ClinVar (database versions not stated): gnomAD exomes below 0.00001.
gnomAD v4.1: 5 of 1,614,126 alleles (0.00031%); highest among the groups gnomAD compares: Admixed American, 0.0033%; no homozygotes.

Submission:

Labcorp Genetics (formerly Invitae), Labcorp
Classification: Uncertain significance for GM3 synthase deficiency. Last evaluated: 2021-09-01. Review status: criteria provided, single submitter. Criteria: Invitae Variant Classification Sherloc (09022015). Collection method: clinical testing. Allele origin: germline.
Comment: This sequence change replaces threonine with isoleucine at codon 370 of the ST3GAL5 protein (p.Thr370Ile). The threonine residue is highly conserved and there is a moderate physicochemical difference between threonine and isoleucine. This variant is not present in population databases (ExAC no frequency). This variant has not been reported in the literature in individuals affected with ST3GAL5-related conditions. Algorithms developed to predict the effect of missense changes on protein structure and function output the following: SIFT: "Deleterious"; PolyPhen-2: "Benign"; Align-GVGD: "Class C15". The isoleucine amino acid residue is found in multiple mammalian species, which suggests that this missense change does not adversely affect protein function. In summary, the available evidence is currently insufficient to determine the role of this variant in disease. Therefore, it has been classified as a Variant of Uncertain Significance.